The following is an entry in ClinVar:

NM_003664.5(AP3B1):c.1579A>G (p.Ser527Gly)

Gene: AP3B1 (adaptor related protein complex 3 subunit beta 1; minus strand). Cytogenetic location: 5q14.1.
Variant type: single nucleotide variant.
Coding change: c.1579A>G on transcript NM_003664.5 (MANE Select); coding-DNA position 1579, A replaced by G.
Protein change: p.Ser527Gly; replaces serine 527 with glycine.
Molecular consequence: missense variant.
Genome position (GRCh38, 1-based): chr5:78,141,214, T>C on the plus strand (A>G on the coding strand, the complement: AP3B1 is on the minus strand). VCF-style: chr5-78141214-T-C. GRCh37 (hg19) VCF-style: chr5-77437038-T-C.
Other names: p.Ser527Gly; c.1432A>G, p.Ser478Gly (NM_001271769.2); c.1579A>G, p.Ser527Gly (NM_001410752.1); short protein forms S478G, S527G.
Identifiers: ClinVar variation 3379591 (VCV003379591.1).
Genomic context (GRCh38, chr5:78,141,214, plus strand): 5'-TGGTTAAATACAATTTTGCTCCCAGATTTAATATCTGCAGTTTTACCAGATCATCTTCAC[T>C]AGTGAAGCTTTTAGCCATCTTCCTCAAAACATCAGGGGCAATTTTAGGAACTCGTTCACA-3'
Protein context (NP_003655.3, residues 517-537): VLRKMAKSFT[Ser527Gly]EDDLVKLQIL

ClinVar aggregate classification (germline): Uncertain significance (1 of 4 stars; one submission).

gnomAD v4.1: 13 of 1,613,742 alleles (0.00081%); highest among the groups gnomAD compares: Non-Finnish European, 0.0011%; no homozygotes.

Submission:

Mayo Clinic Laboratories, Mayo Clinic
Classification: Uncertain significance. Last evaluated: 2023-07-19. Review status: criteria provided, single submitter. Criteria: ACMG Guidelines, 2015. Collection method: clinical testing. Allele origin: germline. Observed: 1 variant allele.
Comment: BP4_strong, PM2